The following is an entry in ClinVar:

ClinVar aggregate classification (germline): Uncertain significance (1 of 4 stars; one submission).

Allele frequency attached by ClinVar (database versions not stated): gnomAD exomes below 0.00001.
gnomAD v4.1: 7 of 1,614,104 alleles (0.00043%); highest among the groups gnomAD compares: Non-Finnish European, 0.00051%; no homozygotes.

Submission:

GeneDx
Classification: Uncertain significance. Last evaluated: 2019-06-06. Review status: criteria provided, single submitter. Criteria: GeneDx Variant Classification Process June 2021. Collection method: clinical testing. Allele origin: germline. Affected: yes.
Comment: Has not been previously published as pathogenic or benign to our knowledge; Not observed in large population cohorts (Lek et al., 2016); In silico analysis, which includes protein predictors and evolutionary conservation, supports a deleterious effect

NM_173076.3(ABCA12):c.3083T>C (p.Ile1028Thr)

Gene: ABCA12 (ATP binding cassette subfamily A member 12; minus strand). Cytogenetic location: 2q35.
Variant type: single nucleotide variant.
Coding change: c.3083T>C on transcript NM_173076.3 (MANE Select); coding-DNA position 3083, T replaced by C.
Protein change: p.Ile1028Thr; replaces isoleucine 1028 with threonine.
Molecular consequence: missense variant. On other transcripts: non-coding transcript variant (1).
Genome position (GRCh38, 1-based): chr2:215,000,801, A>G on the plus strand (T>C on the coding strand, the complement: ABCA12 is on the minus strand). VCF-style: chr2-215000801-A-G. GRCh37 (hg19) VCF-style: chr2-215865525-A-G.
Other names: c.2129T>C, p.Ile710Thr (NM_015657.4); short protein forms I1028T, I710T.
Identifiers: ClinVar variation 1306426 (VCV001306426.2), dbSNP rs2105988792, ClinGen allele CA350475507.